The following is an entry in ClinVar:

ClinVar aggregate classification (germline): Uncertain significance (1 of 4 stars; one submission).

gnomAD v4.1: 16 of 1,614,016 alleles (0.00099%); highest among the groups gnomAD compares: Middle Eastern, 0.033%; no homozygotes.

Submission:

Labcorp Genetics (formerly Invitae), Labcorp
Classification: Uncertain significance. Last evaluated: 2026-01-18. Review status: criteria provided, single submitter. Criteria: Invitae Variant Classification Sherloc (09022015). Collection method: clinical testing. Allele origin: germline.
Comment: This sequence change replaces serine, which is neutral and polar, with phenylalanine, which is neutral and non-polar, at codon 727 of the VCAN protein (p.Ser727Phe). This variant is present in population databases (rs199694481, gnomAD 0.004%). This variant has not been reported in the literature in individuals affected with VCAN-related conditions. An algorithm developed to predict the effect of missense changes on protein structure and function outputs the following: PolyPhen-2: "Benign". The phenylalanine amino acid residue is found in multiple mammalian species, which suggests that this missense change does not adversely affect protein function. In summary, the available evidence is currently insufficient to determine the role of this variant in disease. Therefore, it has been classified as a Variant of Uncertain Significance.

NM_004385.5(VCAN):c.2180C>T (p.Ser727Phe)

Gene: VCAN (versican; plus strand). Cytogenetic location: 5q14.3.
Variant type: single nucleotide variant.
Coding change: c.2180C>T on transcript NM_004385.5 (MANE Select); coding-DNA position 2180, C replaced by T.
Protein change: p.Ser727Phe; replaces serine 727 with phenylalanine.
Molecular consequence: missense variant. On other transcripts: intron variant (2).
Genome position (GRCh38, 1-based): chr5:83,520,486, C>T. VCF-style: chr5-83520486-C-T. GRCh37 (hg19) VCF-style: chr5-82816305-C-T.
Other names: c.2180C>T, p.Ser727Phe (NM_001164098.2); c.1042+8090C>T (NM_001164097.2, NM_001126336.3); short protein forms S727F.
Identifiers: ClinVar variation 4703123 (VCV004703123.1).